The following is an entry in ClinVar:

ClinVar aggregate classification (germline): Uncertain significance (1 of 4 stars; one submission).

Conditions:
Primary immunodeficiency with post-measles-mumps-rubella vaccine viral infection. Also called: Immunodeficiency 44. Identifiers: Orphanet 431166, MedGen C4225260, MONDO:0014715, OMIM 616636.

Submission:

Labcorp Genetics (formerly Invitae), Labcorp
Classification: Uncertain significance for Primary immunodeficiency with post-measles-mumps-rubella vaccine viral infection. Last evaluated: 2024-02-09. Review status: criteria provided, single submitter. Criteria: Invitae Variant Classification Sherloc (09022015). Collection method: clinical testing. Allele origin: germline.
Comment: This sequence change replaces leucine, which is neutral and non-polar, with valine, which is neutral and non-polar, at codon 600 of the STAT2 protein (p.Leu600Val). This variant is not present in population databases (gnomAD no frequency). This variant has not been reported in the literature in individuals affected with STAT2-related conditions. Advanced modeling of protein sequence and biophysical properties (such as structural, functional, and spatial information, amino acid conservation, physicochemical variation, residue mobility, and thermodynamic stability) performed at Invitae indicates that this missense variant is expected to disrupt STAT2 protein function with a positive predictive value of 80%. In summary, the available evidence is currently insufficient to determine the role of this variant in disease. Therefore, it has been classified as a Variant of Uncertain Significance.

NM_005419.4(STAT2):c.1798C>G (p.Leu600Val)

Gene: STAT2 (signal transducer and activator of transcription 2; minus strand). Cytogenetic location: 12q13.3.
Variant type: single nucleotide variant.
Coding change: c.1798C>G on transcript NM_005419.4 (MANE Select); coding-DNA position 1798, C replaced by G.
Protein change: p.Leu600Val; replaces leucine 600 with valine.
Molecular consequence: missense variant.
Genome position (GRCh38, 1-based): chr12:56,346,882, G>C on the plus strand (C>G on the coding strand, the complement: STAT2 is on the minus strand). VCF-style: chr12-56346882-G-C. GRCh37 (hg19) VCF-style: chr12-56740666-G-C.
Other names: c.1765C>G, p.Leu589Val (NM_001385110.1); c.1699C>G, p.Leu567Val (NM_001385111.1); c.1798C>G, p.Leu600Val (NM_001385113.1); c.1777C>G, p.Leu593Val (NM_001385114.1); c.1756C>G, p.Leu586Val (NM_001385115.1); c.1786C>G, p.Leu596Val (NM_198332.2); short protein forms L596V, L593V, L600V, L567V, L586V, L589V.
Identifiers: ClinVar variation 3673123 (VCV003673123.2).